The following is an entry in ClinVar:

NM_001099274.3(TINF2):c.215A>T (p.Gln72Leu)

Gene: TINF2 (TERF1 interacting nuclear factor 2; minus strand). Cytogenetic location: 14q12.
Variant type: single nucleotide variant.
Coding change: c.215A>T on transcript NM_001099274.3 (MANE Select); coding-DNA position 215, A replaced by T.
Protein change: p.Gln72Leu; replaces glutamine 72 with leucine.
Molecular consequence: missense variant. On other transcripts: intron variant (1).
Genome position (GRCh38, 1-based): chr14:24,241,972, T>A on the plus strand (A>T on the coding strand, the complement: TINF2 is on the minus strand). VCF-style: chr14-24241972-T-A. GRCh37 (hg19) VCF-style: chr14-24711178-T-A.
Other names: c.215A>T, p.Gln72Leu (NM_012461.3); c.192+169A>T (NM_001363668.2); short protein forms Q72L.
Identifiers: ClinVar variation 1373787 (VCV001373787.6), dbSNP rs2139003147, ClinGen allele CA389234354.

ClinVar aggregate classification (germline): Uncertain significance (1 of 4 stars; one submission).

Conditions:
Dyskeratosis congenita. Identifiers: Orphanet 1775, MedGen C0265965, MONDO:0015780.

gnomAD v4.1: 1 of 1,614,224 alleles (0.000062%); highest among the groups gnomAD compares: Non-Finnish European, 0.000085%; no homozygotes.

Submission:

Labcorp Genetics (formerly Invitae), Labcorp
Classification: Uncertain significance for Dyskeratosis congenita. Last evaluated: 2025-12-23. Review status: criteria provided, single submitter. Criteria: Invitae Variant Classification Sherloc (09022015). Collection method: clinical testing. Allele origin: germline.
Comment: This sequence change replaces glutamine, which is neutral and polar, with leucine, which is neutral and non-polar, at codon 72 of the TINF2 protein (p.Gln72Leu). This variant is not present in population databases (gnomAD no frequency). This variant has not been reported in the literature in individuals affected with TINF2-related conditions. ClinVar contains an entry for this variant (Variation ID: 1373787). An algorithm developed to predict the effect of missense changes on protein structure and function (PolyPhen-2) suggests that this variant is likely to be tolerated. In summary, the available evidence is currently insufficient to determine the role of this variant in disease. Therefore, it has been classified as a Variant of Uncertain Significance.